The following is an entry in ClinVar:

NM_001197104.2(KMT2A):c.4000C>T (p.Pro1334Ser)

Gene: KMT2A (lysine methyltransferase 2A; plus strand). Cytogenetic location: 11q23.3.
Variant type: single nucleotide variant.
Coding change: c.4000C>T on transcript NM_001197104.2 (MANE Select); coding-DNA position 4000, C replaced by T.
Protein change: p.Pro1334Ser; replaces proline 1334 with serine.
Molecular consequence: missense variant.
Genome position (GRCh38, 1-based): chr11:118,482,080, C>T. VCF-style: chr11-118482080-C-T. GRCh37 (hg19) VCF-style: chr11-118352795-C-T.
Other names: c.4099C>T, p.Pro1367Ser (NM_001412597.1); c.4000C>T, p.Pro1334Ser (NM_005933.4); short protein forms P1334S, P1367S.
Identifiers: ClinVar variation 1804612 (VCV001804612.2), dbSNP rs1950143317, ClinGen allele CA382828655.

ClinVar aggregate classification (germline): Uncertain significance. Review status: criteria provided, multiple submitters, no conflicts (2 of 4 stars). 2 submissions from 2 submitters: Uncertain significance (2). Last evaluated 2025-10-01.

Conditions:
Inborn genetic diseases. Identifiers: MedGen C0950123, MeSH D030342.

Allele frequency attached by ClinVar (database versions not stated): TOPMed below 0.00001.

Submissions (2):

Ambry Genetics
Classification: Uncertain significance for Inborn genetic diseases. Last evaluated: 2025-10-01. Review status: criteria provided, single submitter. Criteria: Ambry Variant Classification Scheme 2023. Collection method: clinical testing. Allele origin: germline.

GeneDx
Classification: Uncertain significance. Last evaluated: 2022-06-15. Review status: criteria provided, single submitter. Criteria: GeneDx Variant Classification Process June 2021. Collection method: clinical testing. Allele origin: germline. Affected: yes.
Comment: Not observed at significant frequency in large population cohorts (gnomAD); In silico analysis supports that this missense variant has a deleterious effect on protein structure/function; Has not been previously published as pathogenic or benign to our knowledge